The following is an entry in ClinVar:

ClinVar aggregate classification (germline): Uncertain significance (1 of 4 stars; one submission).

Conditions:
Hereditary cancer-predisposing syndrome. Also called: Tumor predisposition; Neoplastic Syndromes, Hereditary; Hereditary neoplastic syndrome; Hereditary Cancer Syndrome. Identifiers: Orphanet 140162, MedGen C0027672, MeSH D009386, MONDO:0015356.

Submission:

Labcorp Genetics (formerly Invitae), Labcorp
Classification: Uncertain significance for Hereditary cancer-predisposing syndrome. Last evaluated: 2022-07-19. Review status: criteria provided, single submitter. Criteria: Invitae Variant Classification Sherloc (09022015). Collection method: clinical testing. Allele origin: germline.
Comment: Algorithms developed to predict the effect of missense changes on protein structure and function are either unavailable or do not agree on the potential impact of this missense change (SIFT: "Tolerated"; PolyPhen-2: "Possibly Damaging"; Align-GVGD: "Class C0"). In summary, the available evidence is currently insufficient to determine the role of this variant in disease. Therefore, it has been classified as a Variant of Uncertain Significance. ClinVar contains an entry for this variant (Variation ID: 1016683). This sequence change replaces isoleucine, which is neutral and non-polar, with threonine, which is neutral and polar, at codon 223 of the RAD50 protein (p.Ile223Thr). This variant is not present in population databases (gnomAD no frequency). This variant has not been reported in the literature in individuals affected with RAD50-related conditions.

NM_005732.4(RAD50):c.668T>C (p.Ile223Thr)

Gene: RAD50 (RAD50 double strand break repair protein; plus strand). Cytogenetic location: 5q31.1.
Variant type: single nucleotide variant.
Coding change: c.668T>C on transcript NM_005732.4 (MANE Select); coding-DNA position 668, T replaced by C.
Protein change: p.Ile223Thr; replaces isoleucine 223 with threonine.
Molecular consequence: missense variant.
Genome position (GRCh38, 1-based): chr5:132,579,978, T>C. VCF-style: chr5-132579978-T-C. GRCh37 (hg19) VCF-style: chr5-131915670-T-C.
Other names: short protein forms I223T.
Identifiers: ClinVar variation 1016683 (VCV001016683.9), dbSNP rs1750475890, ClinGen allele CA360936324.